The following is an entry in ClinVar:

ClinVar aggregate classification (germline): Uncertain significance (1 of 4 stars; one submission).

Conditions:
Congenital myasthenic syndrome 9. Also called: Myasthenic syndrome, congenital, 9, associated with acetylcholine receptor deficiency. Identifiers: Orphanet 590, MedGen C4225368, MONDO:0014587, OMIM 616325.
Fetal akinesia deformation sequence 1 (FADS1). Also called: Fetal akinesia sequence; Pena-Shokeir syndrome type I. Identifiers: Orphanet 994, MedGen C1276035, MONDO:0100101, OMIM 208150, HP:0001989.

Allele frequency attached by ClinVar (database versions not stated): ExAC 0.00001; TOPMed 0.00002.
gnomAD v4.1: 3 of 1,613,710 alleles (0.00019%); highest among the groups gnomAD compares: East Asian, 0.0022%; no homozygotes.

Submission:

Labcorp Genetics (formerly Invitae), Labcorp
Classification: Uncertain significance for Congenital myasthenic syndrome 9; Fetal akinesia deformation sequence 1. Last evaluated: 2021-09-01. Review status: criteria provided, single submitter. Criteria: Invitae Variant Classification Sherloc (09022015). Collection method: clinical testing. Allele origin: germline.
Comment: This sequence change replaces arginine with cysteine at codon 719 of the MUSK protein (p.Arg719Cys). The arginine residue is highly conserved and there is a large physicochemical difference between arginine and cysteine. This variant is present in population databases (rs769211968, ExAC 0.001%). This variant has not been reported in the literature in individuals affected with MUSK-related conditions. Algorithms developed to predict the effect of missense changes on protein structure and function are either unavailable or do not agree on the potential impact of this missense change (SIFT: "Deleterious"; PolyPhen-2: "Probably Damaging"; Align-GVGD: "Class C0"). In summary, the available evidence is currently insufficient to determine the role of this variant in disease. Therefore, it has been classified as a Variant of Uncertain Significance.

NM_005592.4(MUSK):c.2155C>T (p.Arg719Cys)

Gene: MUSK (muscle associated receptor tyrosine kinase; plus strand). Cytogenetic location: 9q31.3.
Variant type: single nucleotide variant.
Coding change: c.2155C>T on transcript NM_005592.4 (MANE Select); coding-DNA position 2155, C replaced by T.
Protein change: p.Arg719Cys; replaces arginine 719 with cysteine.
Molecular consequence: missense variant.
Genome position (GRCh38, 1-based): chr9:110,800,533, C>T. VCF-style: chr9-110800533-C-T. GRCh37 (hg19) VCF-style: chr9-113562813-C-T.
Other names: c.1897C>T, p.Arg633Cys (NM_001166280.2); c.1867C>T, p.Arg623Cys (NM_001166281.2); c.895C>T, p.Arg299Cys (NM_001369398.1); short protein forms R633C, R719C, R299C, R623C.
Identifiers: ClinVar variation 1383267 (VCV001383267.5), dbSNP rs769211968, ClinGen allele CA5184578.